The following is an entry in ClinVar:

NM_004544.4(NDUFA10):c.845C>T (p.Pro282Leu)

Gene: NDUFA10 (NADH:ubiquinone oxidoreductase subunit A10; minus strand). Cytogenetic location: 2q37.3.
Variant type: single nucleotide variant.
Coding change: c.845C>T on transcript NM_004544.4 (MANE Select); coding-DNA position 845, C replaced by T.
Protein change: p.Pro282Leu; replaces proline 282 with leucine.
Molecular consequence: missense variant. On other transcripts: non-coding transcript variant (4).
Genome position (GRCh38, 1-based): chr2:240,005,255, G>A on the plus strand (C>T on the coding strand, the complement: NDUFA10 is on the minus strand). VCF-style: chr2-240005255-G-A. GRCh37 (hg19) VCF-style: chr2-240944672-G-A.
Other names: c.845C>T, p.Pro282Leu (NM_001322019.2, NM_001322020.2); short protein forms P282L.
Identifiers: ClinVar variation 1427425 (VCV001427425.6), dbSNP rs201798886, ClinGen allele CA2200832.

ClinVar aggregate classification (germline): Uncertain significance (1 of 4 stars; one submission).

Allele frequency attached by ClinVar (database versions not stated): gnomAD 0.00003; ExAC 0.00004; TOPMed 0.00005.
gnomAD v4.1: 33 of 1,614,026 alleles (0.002%); highest among the groups gnomAD compares: South Asian, 0.019%; no homozygotes.

Submission:

Labcorp Genetics (formerly Invitae), Labcorp
Classification: Uncertain significance. Last evaluated: 2022-06-05. Review status: criteria provided, single submitter. Criteria: Invitae Variant Classification Sherloc (09022015). Collection method: clinical testing. Allele origin: germline.
Comment: This sequence change replaces proline, which is neutral and non-polar, with leucine, which is neutral and non-polar, at codon 282 of the NDUFA10 protein (p.Pro282Leu). This variant is present in population databases (rs201798886, gnomAD 0.02%). This variant has not been reported in the literature in individuals affected with NDUFA10-related conditions. ClinVar contains an entry for this variant (Variation ID: 1427425). Algorithms developed to predict the effect of missense changes on protein structure and function are either unavailable or do not agree on the potential impact of this missense change (SIFT: "Tolerated"; PolyPhen-2: "Probably Damaging"; Align-GVGD: "Class C0"). In summary, the available evidence is currently insufficient to determine the role of this variant in disease. Therefore, it has been classified as a Variant of Uncertain Significance.